The following is an entry in ClinVar:

NM_006009.4(TUBA1A):c.781C>G (p.Pro261Ala)

Gene: TUBA1A (tubulin alpha 1a; minus strand). Cytogenetic location: 12q13.12.
Variant type: single nucleotide variant.
Coding change: c.781C>G on transcript NM_006009.4 (MANE Select); coding-DNA position 781, C replaced by G.
Protein change: p.Pro261Ala; replaces proline 261 with alanine.
Molecular consequence: missense variant.
Genome position (GRCh38, 1-based): chr12:49,185,585, G>C on the plus strand (C>G on the coding strand, the complement: TUBA1A is on the minus strand). VCF-style: chr12-49185585-G-C. GRCh37 (hg19) VCF-style: chr12-49579368-G-C.
Other names: c.781C>G, p.Pro261Ala (NM_001270399.2); c.676C>G, p.Pro226Ala (NM_001270400.2); short protein forms P261A, P226A.
Identifiers: ClinVar variation 2548876 (VCV002548876.3), dbSNP rs2498860323, ClinGen allele CA384639795.
Genomic context (GRCh38, chr12:49,185,585, plus strand): 5'-CTTTCTCAGCAGAGATGACAGGGGCATATGTGGCCAGAGGGAAGTGGATGCGGGGATAGG[G>C]CACCAGGTTGGTCTGGAATTCTGTCAGGTCAACATTCAGGGCTCCATCAAATCTCAGGGA-3'
Protein context (NP_006000.2, residues 251-271): DLTEFQTNLV[Pro261Ala]YPRIHFPLAT

ClinVar aggregate classification (germline): Likely pathogenic (1 of 4 stars; one submission).

Conditions:
Inborn genetic diseases. Identifiers: MedGen C0950123, MeSH D030342.

Submission:

Ambry Genetics
Classification: Likely pathogenic for Inborn genetic diseases. Last evaluated: 2023-06-15. Review status: criteria provided, single submitter. Criteria: Ambry Variant Classification Scheme 2023. Collection method: clinical testing. Allele origin: germline.
Comment: The c.781C>G (p.P261A) alteration is located in exon 4 (coding exon 4) of the TUBA1A gene. This alteration results from a C to G substitution at nucleotide position 781, causing the proline (P) at amino acid position 261 to be replaced by an alanine (A). This variant was not reported in population-based cohorts in the Genome Aggregation Database (gnomAD). This amino acid position is highly conserved in available vertebrate species. This alteration is predicted to be deleterious by in silico analysis. Based on the available evidence, this alteration is classified as likely pathogenic.